The following is an entry in ClinVar:

NM_015978.3(TNNI3K):c.680A>T (p.Asp227Val)

Genes: FPGT-TNNI3K (FPGT-TNNI3K readthrough; plus strand), TNNI3K (TNNI3 interacting kinase; plus strand). Cytogenetic location: 1p31.1.
Variant type: single nucleotide variant.
Coding change: c.680A>T on transcript NM_015978.3 (MANE Select); coding-DNA position 680, A replaced by T.
Protein change: p.Asp227Val; replaces aspartic acid 227 with valine.
Molecular consequence: missense variant.
Genome position (GRCh38, 1-based): chr1:74,336,147, A>T. VCF-style: chr1-74336147-A-T. GRCh37 (hg19) VCF-style: chr1-74801831-A-T.
Other names: c.680A>T (NM_015978.2); c.983A>T, p.Asp328Val (NM_001112808.3, NM_001199327.2); short protein forms D227V, D328V.
Identifiers: ClinVar variation 1356605 (VCV001356605.9), dbSNP rs373725645, ClinGen allele CA908969.

ClinVar aggregate classification (germline): Uncertain significance. Review status: criteria provided, multiple submitters, no conflicts (2 of 4 stars). 4 submissions from 4 submitters: Uncertain significance (4). Last evaluated 2025-12-29.

Conditions:
Atrial conduction disease. Identifiers: Orphanet 436242, MedGen CN221670, MONDO:0014500.
Inborn genetic diseases. Identifiers: MedGen C0950123, MeSH D030342.

Allele frequency attached by ClinVar (database versions not stated): gnomAD exomes 0.00002 and 0.00004; ExAC 0.00005; ESP Exome Variant Server 0.00008; 1000 Genomes Project 0.00020; 1000 Genomes Project 30x 0.00031.
gnomAD v4.1: 58 of 1,597,718 alleles (0.0036%); highest among the groups gnomAD compares: African/African-American, 0.066%; no homozygotes.

Submissions (4):

Labcorp Genetics (formerly Invitae), Labcorp
Classification: Uncertain significance. Last evaluated: 2025-12-29. Review status: criteria provided, single submitter. Criteria: Invitae Variant Classification Sherloc (09022015). Collection method: clinical testing. Allele origin: germline.
Comment: This sequence change replaces aspartic acid, which is acidic and polar, with valine, which is neutral and non-polar, at codon 227 of the TNNI3K protein (p.Asp227Val). This variant is present in population databases (rs373725645, gnomAD 0.06%), and has an allele count higher than expected for a pathogenic variant. This variant has not been reported in the literature in individuals affected with TNNI3K-related conditions. ClinVar contains an entry for this variant (Variation ID: 1356605). An algorithm developed to predict the effect of missense changes on protein structure and function (PolyPhen-2) suggests that this variant is likely to be disruptive. In summary, the available evidence is currently insufficient to determine the role of this variant in disease. Therefore, it has been classified as a Variant of Uncertain Significance.

Ambry Genetics
Classification: Uncertain significance for Inborn genetic diseases. Last evaluated: 2025-04-05. Review status: criteria provided, single submitter. Criteria: Ambry Variant Classification Scheme 2023. Collection method: clinical testing. Allele origin: germline.

Genome-Nilou Lab
Classification: Uncertain significance for Cardiac conduction disease with or without dilated cardiomyopathy 1. Last evaluated: 2023-04-11. Review status: criteria provided, single submitter. Criteria: ACMG Guidelines, 2015. Collection method: clinical testing. Allele origin: germline. Affected: no.

Laboratorio de Genetica e Diagnostico Molecular, Hospital Israelita Albert Einstein
Classification: Uncertain significance for Cardiac conduction disease with or without dilated cardiomyopathy 1. Last evaluated: 2021-12-15. Review status: criteria provided, single submitter. Criteria: ACMG Guidelines, 2015. Collection method: clinical testing. Allele origin: germline. Affected: yes.